The following is an entry in ClinVar:

ClinVar aggregate classification (germline): Conflicting classifications of pathogenicity. Review status: criteria provided, conflicting classifications (1 of 4 stars). 5 submissions from 5 submitters: Uncertain significance (1); Benign (1); Likely benign (2). 1 of the submissions does not count toward it. Last evaluated 2026-01-09.

Conditions:
PKD1-related disorder. Also called: PKD1-related condition.

Allele frequency attached by ClinVar (database versions not stated): gnomAD exomes 0.00022; ExAC 0.00031; ESP Exome Variant Server 0.00054; 1000 Genomes Project 30x 0.00078; 1000 Genomes Project 0.00080; gnomAD 0.00114 and 0.00121; TOPMed 0.00124.
gnomAD v4.1: 339 of 1,611,874 alleles (0.021%); highest among the groups gnomAD compares: African/African-American, 0.36%; no homozygotes.

Submissions (5):

GeneDx
Classification: Uncertain significance. Last evaluated: 2026-01-09. Review status: criteria provided, single submitter. Criteria: GeneDx Variant Classification Process June 2021. Collection method: clinical testing. Allele origin: germline. Affected: yes.
Comment: In silico analysis suggests that this missense variant does not alter protein structure/function; Has not been previously published as pathogenic or benign to our knowledge

Women's Health and Genetics/Laboratory Corporation of America, LabCorp
Classification: Likely benign. Last evaluated: 2025-06-18. Review status: criteria provided, single submitter. Criteria: LabCorp Variant Classification Summary - May 2015. Collection method: clinical testing. Allele origin: germline.
Comment: Variant summary: PKD1 c.4654G>A (p.Val1552Ile) results in a conservative amino acid change located in the PKD domain (IPR000601) of the encoded protein sequence. Algorithms developed to predict the effect of missense changes on protein structure and function all suggest that this variant is likely to be tolerated. The variant allele was found at a frequency of 0.00022 in 248018 control chromosomes, predominantly at a frequency of 0.0025 within the African or African-American subpopulation in the gnomAD database. The observed variant frequency within African or African-American control individuals in the gnomAD database exceeds the estimated maximal expected allele frequency for a pathogenic variant in PKD1 causing PKD1-Biallelic Autosomal Recessive Polycystic Kidney Disease phenotype. To our knowledge, no occurrence of c.4654G>A in individuals affected with PKD1-Biallelic Autosomal Recessive Polycystic Kidney Disease and no experimental evidence demonstrating its impact on protein function have been reported. ClinVar contains an entry for this variant (Variation ID: 586277). Based on the evidence outlined above, the variant was classified as likely benign.

Blueprint Genetics
Classification: Likely benign. Last evaluated: 2024-11-25. Review status: criteria provided, single submitter. Criteria: ACMG Guidelines, 2015. Collection method: clinical testing. Allele origin: germline.

Athena Diagnostics
Classification: Benign. Last evaluated: 2017-11-01. Review status: criteria provided, single submitter. Criteria: Athena Diagnostics Criteria. Collection method: clinical testing. Allele origin: germline.

PreventionGenetics, part of Exact Sciences
Classification: Likely benign for PKD1-related condition. Last evaluated: 2020-12-08. Review status: no assertion criteria provided. Collection method: clinical testing. Allele origin: germline. Not counted in ClinVar's aggregate classification.
Comment: This variant is classified as likely benign based on ACMG/AMP sequence variant interpretation guidelines (Richards et al. 2015 PMID: 25741868, with internal and published modifications).

NM_001009944.3(PKD1):c.4654G>A (p.Val1552Ile)

Gene: PKD1 (polycystin 1, transient receptor potential channel interacting; minus strand). Cytogenetic location: 16p13.3.
Variant type: single nucleotide variant.
Coding change: c.4654G>A on transcript NM_001009944.3 (MANE Select); coding-DNA position 4654, G replaced by A.
Protein change: p.Val1552Ile; replaces valine 1552 with isoleucine.
Molecular consequence: missense variant.
Genome position (GRCh38, 1-based): chr16:2,110,513, C>T on the plus strand (G>A on the coding strand, the complement: PKD1 is on the minus strand). VCF-style: chr16-2110513-C-T. GRCh37 (hg19) VCF-style: chr16-2160514-C-T.
Other names: c.4654G>A, p.Val1552Ile (NM_000296.4); short protein forms V1552I.
Identifiers: ClinVar variation 586277 (VCV000586277.12), dbSNP rs149874529, ClinGen allele CA7832301.